The following is an entry in ClinVar:

NM_006767.4(LZTR1):c.55G>A (p.Gly19Ser)

Genes: LZTR1 (leucine zipper like post translational regulator 1; plus strand), LOC130067016 (ATAC-STARR-seq lymphoblastoid silent region 13504; plus strand). Cytogenetic location: 22q11.21.
Variant type: single nucleotide variant.
Coding change: c.55G>A on transcript NM_006767.4 (MANE Select); coding-DNA position 55, G replaced by A.
Protein change: p.Gly19Ser; replaces glycine 19 with serine.
Molecular consequence: missense variant.
Genome position (GRCh38, 1-based): chr22:20,982,426, G>A. VCF-style: chr22-20982426-G-A. GRCh37 (hg19) VCF-style: chr22-21336715-G-A.
Other names: short protein forms G19S.
Identifiers: ClinVar variation 1748558 (VCV001748558.5), dbSNP rs375788038, ClinGen allele CA322316113.

ClinVar aggregate classification (germline): Uncertain significance. Review status: criteria provided, multiple submitters, no conflicts (2 of 4 stars). 2 submissions from 2 submitters: Uncertain significance (2). Last evaluated 2025-12-20.

Conditions:
Cardiovascular phenotype. Identifiers: MedGen CN230736.
Hereditary cancer-predisposing syndrome. Also called: Hereditary Cancer Syndrome; Hereditary neoplastic syndrome; Neoplastic Syndromes, Hereditary; Tumor predisposition. Identifiers: Orphanet 140162, MedGen C0027672, MeSH D009386, MONDO:0015356.

Allele frequency attached by ClinVar (database versions not stated): ESP Exome Variant Server 0.00008.
gnomAD v4.1: 13 of 1,576,618 alleles (0.00082%); highest among the groups gnomAD compares: African/African-American, 0.0013%; no homozygotes.

Submissions (2):

Labcorp Genetics (formerly Invitae), Labcorp
Classification: Uncertain significance. Last evaluated: 2025-12-20. Review status: criteria provided, single submitter. Criteria: Invitae Variant Classification Sherloc (09022015). Collection method: clinical testing. Allele origin: germline.
Comment: This sequence change replaces glycine, which is neutral and non-polar, with serine, which is neutral and polar, at codon 19 of the LZTR1 protein (p.Gly19Ser). This variant is not present in population databases (gnomAD no frequency). This variant has not been reported in the literature in individuals affected with LZTR1-related conditions. ClinVar contains an entry for this variant (Variation ID: 1748558). Invitae Evidence Modeling of protein sequence and biophysical properties (such as structural, functional, and spatial information, amino acid conservation, physicochemical variation, residue mobility, and thermodynamic stability) indicates that this missense variant is not expected to disrupt LZTR1 protein function with a negative predictive value of 80%. In summary, the available evidence is currently insufficient to determine the role of this variant in disease. Therefore, it has been classified as a Variant of Uncertain Significance.

Ambry Genetics
Classification: Uncertain significance for Cardiovascular phenotype; Hereditary cancer-predisposing syndrome. Last evaluated: 2025-10-21. Review status: criteria provided, single submitter. Criteria: Ambry Variant Classification Scheme 2023. Collection method: clinical testing. Allele origin: germline.
Comment: The c.55G>A (p.G19S) alteration is located in exon 1 (coding exon 1) of the LZTR1 gene. This alteration results from a G to A substitution at nucleotide position 55, causing the glycine (G) at amino acid position 19 to be replaced by a serine (S). Based on data from gnomAD, the A allele has an overall frequency of <0.001% (0/187494) total alleles studied. The highest observed frequency was <0.001% (/) of alleles. Based on insufficient or conflicting evidence, the clinical significance of this alteration remains unclear.